The following is an entry in ClinVar:

GRCh38/hg38 17q12(chr17:36500215-37889296)x1

Genes: AATF (apoptosis antagonizing transcription factor; plus strand), ACACA (acetyl-CoA carboxylase alpha; minus strand), C17orf78 (chromosome 17 open reading frame 78; plus strand), DDX52 (DExD-box helicase 52; minus strand), DHRS11 (dehydrogenase/reductase 11; plus strand) and 29 more. Cytogenetic location: 17q12.
Variant type: copy number loss.
Change: copy number 1 (one copy instead of two) of chr17:36,500,215-37,889,296 (1.39 Mb, GRCh38 coordinates, 1-based), cytogenetic band 17q12.
Identifiers: ClinVar variation 160874 (VCV000160874.1).

ClinVar aggregate classification (germline): Pathogenic. Review status: criteria provided, multiple submitters, no conflicts (2 of 4 stars). 2 submissions from 2 submitters: Pathogenic (2). Last evaluated 2011-08-12.

Submissions (2):

ISCA site 17
Classification: Pathogenic. Last evaluated: 2011-08-12. Review status: criteria provided, single submitter. Criteria: Kaminsky et al. (Genet Med. 2011). Collection method: clinical testing. Allele origin: unknown. Affected: yes. Observed: 1 variant allele.
Comment: Copy number variation identified through the course of routine clinical cytogenomic testing in postnatal populations. Clinical assertions have been curated as described in Kaminsky et al. 2011.

ISCA site 4
Classification: Pathogenic. Last evaluated: 2011-08-12. Review status: criteria provided, single submitter. Criteria: Kaminsky et al. (Genet Med. 2011). Collection method: clinical testing. Allele origin: de novo. Affected: yes. Observed: 2 variant alleles.
Comment: the same text as in the submission from ISCA site 17 above.